The following is an entry in ClinVar:

ClinVar aggregate classification (germline): Conflicting classifications of pathogenicity. Review status: criteria provided, conflicting classifications (1 of 4 stars). 9 submissions from 9 submitters: Uncertain significance (8); Likely benign (1). Last evaluated 2026-01-28.

Conditions:
MSH6-related disorder. Also called: MSH6-related condition; MSH6-Related disorders.
Hereditary nonpolyposis colorectal neoplasms. Identifiers: MedGen C0009405, MeSH D003123.
Breast and/or ovarian cancer. Identifiers: MedGen CN221562.
Hereditary cancer-predisposing syndrome. Also called: Neoplastic Syndromes, Hereditary; Tumor predisposition; Hereditary Cancer Syndrome; Hereditary neoplastic syndrome. Identifiers: Orphanet 140162, MedGen C0027672, MeSH D009386, MONDO:0015356.
Lynch syndrome. Identifiers: Orphanet 144, MedGen C4552100, MONDO:0005835. Disease mechanism: loss of function.
Endometrial carcinoma. Also called: Endometrial carcinoma, somatic. Identifiers: MedGen C0476089, MONDO:0002447, OMIM 608089, HP:0012114.

Allele frequency attached by ClinVar (database versions not stated): gnomAD 0.00001; TOPMed 0.00001; gnomAD exomes 0.00003; ExAC 0.00005.
gnomAD v4.1: 48 of 1,609,836 alleles (0.003%); highest among the groups gnomAD compares: Non-Finnish European, 0.0039%; no homozygotes.

Submissions (9):

Labcorp Genetics (formerly Invitae), Labcorp
Classification: Likely benign for Hereditary nonpolyposis colorectal neoplasms. Last evaluated: 2026-01-28. Review status: criteria provided, single submitter. Criteria: Invitae Variant Classification Sherloc (09022015). Collection method: clinical testing. Allele origin: germline.

Center for Genomic Medicine, Rigshospitalet, Copenhagen University Hospital
Classification: Uncertain significance. Last evaluated: 2025-12-29. Review status: criteria provided, single submitter. Criteria: ACMG Guidelines, 2015. Collection method: clinical testing. Allele origin: germline.

Color Diagnostics, LLC DBA Color Health
Classification: Uncertain significance for Hereditary cancer-predisposing syndrome. Last evaluated: 2025-08-13. Review status: criteria provided, single submitter. Criteria: ACMG Guidelines, 2015. Collection method: clinical testing. Allele origin: germline.
Comment: This missense variant replaces threonine with alanine at codon 1189 of the MSH6 protein. Computational prediction suggests that this variant may have deleterious impact on protein structure and function. To our knowledge, functional studies have not been reported for this variant. This variant has not been reported in individuals affected with MSH6-related disorders in the literature. This variant has been identified in 7/245816 chromosomes in the general population by the Genome Aggregation Database (gnomAD). The available evidence is insufficient to determine the role of this variant in disease conclusively. Therefore, this variant is classified as a Variant of Uncertain Significance.

PreventionGenetics, part of Exact Sciences
Classification: Uncertain significance for MSH6-related condition. Last evaluated: 2024-10-11. Review status: criteria provided, single submitter. Criteria: ACMG Guidelines, 2015. Collection method: clinical testing. Allele origin: germline.
Comment: The MSH6 c.3565A>G variant is predicted to result in the amino acid substitution p.Thr1189Ala. To our knowledge, this variant has not been reported in the literature. This variant is reported in 0.0054% of alleles in individuals of European (Non-Finnish) descent in gnomAD and has been interpreted as uncertain in the ClinVar database. At this time, the clinical significance of this variant is uncertain due to the absence of conclusive functional and genetic evidence.

GeneDx
Classification: Uncertain significance. Last evaluated: 2024-07-30. Review status: criteria provided, single submitter. Criteria: GeneDx Variant Classification Process June 2021. Collection method: clinical testing. Allele origin: germline. Affected: yes.
Comment: In silico analysis supports that this missense variant has a deleterious effect on protein structure/function; Has not been previously published as pathogenic or benign to our knowledge; This variant is associated with the following publications: (PMID: 21120944, 17531815)

Ambry Genetics
Classification: Uncertain significance for Hereditary cancer-predisposing syndrome. Last evaluated: 2024-06-09. Review status: criteria provided, single submitter. Criteria: Ambry Variant Classification Scheme 2023. Collection method: clinical testing. Allele origin: germline.
Comment: The p.T1189A variant (also known as c.3565A>G), located in coding exon 7 of the MSH6 gene, results from an A to G substitution at nucleotide position 3565. The threonine at codon 1189 is replaced by alanine, an amino acid with similar properties. This amino acid position is highly conserved in available vertebrate species. In addition, this alteration is predicted to be deleterious by in silico analysis. Since supporting evidence is limited at this time, the clinical significance of this alteration remains unclear.

All of Us Research Program, National Institutes of Health
Classification: Uncertain significance for Lynch syndrome. Last evaluated: 2023-10-27. Review status: criteria provided, single submitter. Criteria: ACMG Guidelines, 2015. Collection method: clinical testing. Allele origin: germline. Inheritance: Autosomal dominant inheritance. Observed: 4 variant alleles, 4 heterozygotes.
Comment: This missense variant replaces threonine with alanine at codon 1189 of the MSH6 protein. Computational prediction suggests that this variant may have deleterious impact on protein structure and function (internally defined REVEL score threshold >= 0.7, PMID: 27666373). To our knowledge, functional studies have not been reported for this variant. This variant has been reported in an individual screened for hereditary breast/ovarian cancer (PMID: 34359559). This variant has been identified in 7/245816 chromosomes in the general population by the Genome Aggregation Database (gnomAD). The available evidence is insufficient to determine the role of this variant in disease conclusively. Therefore, this variant is classified as a Variant of Uncertain Significance.

This study involves interpretation of variants in research participants for the purpose of population health screening. Participant phenotype was not available at the time of variant classification. Additional details can be found in publication PMID: 35346344, PMCID: PMC8962531

Baylor Genetics
Classification: Uncertain significance for Endometrial carcinoma. Last evaluated: 2023-06-23. Review status: criteria provided, single submitter. Criteria: ACMG Guidelines, 2015. Collection method: clinical testing. Allele origin: unknown.

CHEO Genetics Diagnostic Laboratory, Children's Hospital of Eastern Ontario
Classification: Uncertain significance for Breast and/or ovarian cancer. Last evaluated: 2019-10-31. Review status: criteria provided, single submitter. Criteria: ACMG Guidelines, 2015. Collection method: clinical testing. Allele origin: germline.

Literature cited by the submitters: PubMed 34359559 (cited by All of Us Research Program, National Institutes of Health).

NM_000179.3(MSH6):c.3565A>G (p.Thr1189Ala)

Gene: MSH6 (mutS homolog 6; plus strand). Cytogenetic location: 2p16.3.
Variant type: single nucleotide variant.
Coding change: c.3565A>G on transcript NM_000179.3 (MANE Select); coding-DNA position 3565, A replaced by G.
Protein change: p.Thr1189Ala; replaces threonine 1189 with alanine.
Molecular consequence: missense variant.
Genome position (GRCh38, 1-based): chr2:47,805,626, A>G. VCF-style: chr2-47805626-A-G. GRCh37 (hg19) VCF-style: chr2-48032765-A-G.
Other names: c.3175A>G, p.Thr1059Ala (NM_001281492.2); c.2659A>G, p.Thr887Ala (NM_001281493.2, NM_001281494.2); short protein forms T1189A, T887A, T1059A.
Identifiers: ClinVar variation 231639 (VCV000231639.29), dbSNP rs753778809, ClinGen allele CA071392.